The following is an entry in ClinVar:

NM_001375808.2(LPIN2):c.1291C>A (p.Gln431Lys)

Gene: LPIN2 (lipin 2; minus strand). Cytogenetic location: 18p11.31.
Variant type: single nucleotide variant.
Coding change: c.1291C>A on transcript NM_001375808.2 (MANE Select); coding-DNA position 1291, C replaced by A.
Protein change: p.Gln431Lys; replaces glutamine 431 with lysine.
Molecular consequence: missense variant.
Genome position (GRCh38, 1-based): chr18:2,931,421, G>T on the plus strand (C>A on the coding strand, the complement: LPIN2 is on the minus strand). VCF-style: chr18-2931421-G-T. GRCh37 (hg19) VCF-style: chr18-2931419-G-T.
Other names: c.1291C>A, p.Gln431Lys (NM_001375809.1, NM_014646.2); short protein forms Q431K.
Identifiers: ClinVar variation 2074864 (VCV002074864.4), dbSNP rs2510254900, ClinGen allele CA401704496.
Genomic context (GRCh38, chr18:2,931,421, plus strand): 5'-CTGCGCTTCCCACGGACTGTGGGGACTGGGAGCCAGAGAGTGTGTCAGACTCGGGCCACT[G>T]CCTGGAACCGGGCTCCGATTCACTGTGGACAGGGGATGGGGAAAAGATGTGCTTTATTAC-3'
Protein context (NP_001362737.1, residues 421-441): PKSESEPGSR[Gln431Lys]WPESDTLSGS

ClinVar aggregate classification (germline): Uncertain significance (1 of 4 stars; one submission).

Conditions:
Majeed syndrome (MJDS). Also called: CHRONIC RECURRENT MULTIFOCAL OSTEOMYELITIS 1, WITH CONGENITAL DYSERYTHROPOIETIC ANEMIA, WITH OR WITHOUT NEUTROPHILIC DERMATOSIS; LPIN2-Related Majeed Syndrome. Identifiers: Orphanet 77297, MedGen C1864997, MONDO:0012316, OMIM 609628.

Submission:

Labcorp Genetics (formerly Invitae), Labcorp
Classification: Uncertain significance for Majeed syndrome. Last evaluated: 2022-06-04. Review status: criteria provided, single submitter. Criteria: Invitae Variant Classification Sherloc (09022015). Collection method: clinical testing. Allele origin: germline.
Comment: This sequence change replaces glutamine, which is neutral and polar, with lysine, which is basic and polar, at codon 431 of the LPIN2 protein (p.Gln431Lys). This variant is not present in population databases (gnomAD no frequency). This variant has not been reported in the literature in individuals affected with LPIN2-related conditions. Algorithms developed to predict the effect of missense changes on protein structure and function (SIFT, PolyPhen-2, Align-GVGD) all suggest that this variant is likely to be tolerated. In summary, the available evidence is currently insufficient to determine the role of this variant in disease. Therefore, it has been classified as a Variant of Uncertain Significance.